The following is an entry in ClinVar:

NM_025152.3(NUBPL):c.693+1G>A

Gene: NUBPL (NUBP iron-sulfur cluster assembly factor, mitochondrial; plus strand). Cytogenetic location: 14q12.
Variant type: single nucleotide variant.
Coding change: c.693+1G>A on transcript NM_025152.3 (MANE Select); the canonical splice donor site of the intron after coding-DNA position 693, G replaced by A.
Molecular consequence: splice donor variant.
Genome position (GRCh38, 1-based): chr14:31,826,715, G>A. VCF-style: chr14-31826715-G-A. GRCh37 (hg19) VCF-style: chr14-32295921-G-A.
Other names: IVS8DS, G-A, +1; c.405+1G>A (NM_001201573.2); c.144+1G>A (NM_001201574.2).
Identifiers: ClinVar variation 50216 (VCV000050216.12), dbSNP rs751631278, ClinGen allele CA7147948.

ClinVar aggregate classification (germline): Pathogenic/Likely pathogenic. Review status: criteria provided, multiple submitters, no conflicts (2 of 4 stars). 5 submissions from 5 submitters: Pathogenic (2); Likely pathogenic (2). 1 of the submissions does not count toward it. Last evaluated 2025-08-07.

Conditions:
Mitochondrial complex I deficiency, nuclear type 21. Also called: Mitochondrial complex 1 deficiency, nuclear type 21. Identifiers: MedGen C4748792, MONDO:0032625, OMIM 618242.

Allele frequency attached by ClinVar (database versions not stated): ExAC 0.00001; gnomAD 0.00001; gnomAD exomes 0.00002 and 0.00003; TOPMed 0.00002.
gnomAD v4.1: 47 of 1,613,132 alleles (0.0029%); highest among the groups gnomAD compares: Non-Finnish European, 0.0036%; no homozygotes.

Submissions (5):

GeneDx
Classification: Pathogenic. Last evaluated: 2025-08-07. Review status: criteria provided, single submitter. Criteria: GeneDx Variant Classification Process June 2021. Collection method: clinical testing. Allele origin: germline. Affected: yes.
Comment: Identified with a second NUBPL variant in multiple patients with features of NUBPL-related mitochondrial complex I deficiency in published literature and tested at GeneDx (PMID: 31917109, 29417091, 32518176); Canonical splice site variant predicted to result in a null allele in a gene for which loss of function is a known mechanism of disease; Not observed at significant frequency in large population cohorts (gnomAD); This variant is associated with the following publications: (PMID: 31917109, 30094188, 34426522, 32518176, 29417091)

Women's Health and Genetics/Laboratory Corporation of America, LabCorp
Classification: Pathogenic for Mitochondrial complex I deficiency, nuclear type 21. Last evaluated: 2024-11-11. Review status: criteria provided, single submitter. Criteria: LabCorp Variant Classification Summary - May 2015. Collection method: clinical testing. Allele origin: germline.
Comment: Variant summary: NUBPL c.693+1G>A is located in a canonical splice-site and is predicted to affect mRNA splicing resulting in a significantly altered protein due to either exon skipping, shortening, or inclusion of intronic material. Variants that disrupt the consensus splice site are a relatively common cause of aberrant splicing and loss of NUBPL function. Several computational tools predict a significant impact on normal splicing: Four predict the variant abolishes a canonical 5' splicing donor site. However, these predictions have yet to be confirmed by functional studies. The variant allele was found at a frequency of 1.6e-05 in 249240 control chromosomes. c.693+1G>A has been reported in the literature in individuals affected with features of Mitochondrial Complex 1 Deficiency (examples:Kimonis_2020, Friederich_2020, Haskell_2018). These data indicate that the variant is likely to be associated with disease. The following publications have been ascertained in the context of this evaluation (PMID: 31917109, 32518176, 29417091). ClinVar contains an entry for this variant (Variation ID: 50216). Based on the evidence outlined above, the variant was classified as pathogenic.

Labcorp Genetics (formerly Invitae), Labcorp
Classification: Likely pathogenic. Last evaluated: 2024-11-05. Review status: criteria provided, single submitter. Criteria: Invitae Variant Classification Sherloc (09022015). Collection method: clinical testing. Allele origin: germline.
Comment: This sequence change affects a donor splice site in intron 8 of the NUBPL gene. It is expected to disrupt RNA splicing. Variants that disrupt the donor or acceptor splice site typically lead to a loss of protein function (PMID: 16199547), and loss-of-function variants in NUBPL are known to be pathogenic (PMID: 23553477, 31917109). This variant is present in population databases (rs751631278, gnomAD 0.003%). Disruption of this splice site has been observed in individual(s) with mitochondrial complex I deficiency (PMID: 29417091, 31917109, 32518176). ClinVar contains an entry for this variant (Variation ID: 50216). Algorithms developed to predict the effect of sequence changes on RNA splicing suggest that this variant may disrupt the consensus splice site. In summary, the currently available evidence indicates that the variant is pathogenic, but additional data are needed to prove that conclusively. Therefore, this variant has been classified as Likely Pathogenic.

Fulgent Genetics
Classification: Likely pathogenic for Mitochondrial complex I deficiency, nuclear type 21. Last evaluated: 2024-04-12. Review status: criteria provided, single submitter. Criteria: ACMG Guidelines, 2015. Collection method: clinical testing. Allele origin: germline.

OMIM
Classification: Pathogenic for MITOCHONDRIAL COMPLEX I DEFICIENCY, NUCLEAR TYPE 21. Last evaluated: 2013-04-23. Review status: no assertion criteria provided. Collection method: literature only. Allele origin: germline. Not counted in ClinVar's aggregate classification.

Literature cited by the submitters: PubMed 29417091 (cited by Women's Health and Genetics/Laboratory Corporation of America, LabCorp and Labcorp Genetics (formerly Invitae), Labcorp); PubMed 32518176 (cited by 3 submitters); PubMed 31917109 (cited by Women's Health and Genetics/Laboratory Corporation of America, LabCorp and Labcorp Genetics (formerly Invitae), Labcorp); PubMed 16199547 (cited by Labcorp Genetics (formerly Invitae), Labcorp); PubMed 23553477 (cited by Labcorp Genetics (formerly Invitae), Labcorp and OMIM).